The following is an entry in ClinVar:

NM_006904.7(PRKDC):c.2621C>T (p.Thr874Met)

Gene: PRKDC (protein kinase, DNA-activated, catalytic subunit; minus strand). Cytogenetic location: 8q11.21.
Variant type: single nucleotide variant.
Coding change: c.2621C>T on transcript NM_006904.7 (MANE Select); coding-DNA position 2621, C replaced by T.
Protein change: p.Thr874Met; replaces threonine 874 with methionine.
Molecular consequence: missense variant.
Genome position (GRCh38, 1-based): chr8:47,914,061, G>A on the plus strand (C>T on the coding strand, the complement: PRKDC is on the minus strand). VCF-style: chr8-47914061-G-A. GRCh37 (hg19) VCF-style: chr8-48826621-G-A.
Other names: c.2621C>T, p.Thr874Met (NM_001081640.2); short protein forms T874M.
Identifiers: ClinVar variation 1793955 (VCV001793955.2), dbSNP rs776803808, ClinGen allele CA4741411.

ClinVar aggregate classification (germline): Uncertain significance (1 of 4 stars; one submission).

Allele frequency attached by ClinVar (database versions not stated): ExAC 0.00001.
gnomAD v4.1: 5 of 1,482,486 alleles (0.00034%); highest among the groups gnomAD compares: South Asian, 0.003%; no homozygotes.

Submission:

Ambry Genetics
Classification: Uncertain significance. Last evaluated: 2022-07-29. Review status: criteria provided, single submitter. Criteria: Ambry Variant Classification Scheme 2023. Collection method: clinical testing. Allele origin: germline.
Comment: The p.T874M variant (also known as c.2621C>T), located in coding exon 24 of the PRKDC gene, results from a C to T substitution at nucleotide position 2621. The threonine at codon 874 is replaced by methionine, an amino acid with similar properties. This amino acid position is conserved. In addition, this alteration is predicted to be tolerated by in silico analysis. Since supporting evidence is limited at this time, the clinical significance of this alteration remains unclear.